The following is an entry in ClinVar:

ClinVar aggregate classification (germline): Uncertain significance (1 of 4 stars; one submission).

gnomAD v4.1: 4 of 1,543,534 alleles (0.00026%); highest among the groups gnomAD compares: African/African-American, 0.0014%; no homozygotes.

Submission:

GeneDx
Classification: Uncertain significance. Last evaluated: 2026-03-09. Review status: criteria provided, single submitter. Criteria: GeneDx Variant Classification Process June 2021. Collection method: clinical testing. Allele origin: germline.
Comment: Not observed at significant frequency in large population cohorts (gnomAD); In silico analysis supports a deleterious effect on splicing; In silico analysis suggests that this missense variant does not alter protein structure/function; Has not been previously published as pathogenic or benign to our knowledge

NM_001145026.2(PTPRQ):c.2533A>G (p.Ile845Val)

Gene: PTPRQ (protein tyrosine phosphatase receptor type Q; plus strand). Cytogenetic location: 12q21.31.
Variant type: single nucleotide variant.
Coding change: c.2533A>G on transcript NM_001145026.2 (MANE Select); coding-DNA position 2533, A replaced by G.
Protein change: p.Ile845Val; replaces isoleucine 845 with valine.
Molecular consequence: missense variant.
Genome position (GRCh38, 1-based): chr12:80,506,646, A>G. VCF-style: chr12-80506646-A-G. GRCh37 (hg19) VCF-style: chr12-80900425-A-G.
Other names: short protein forms I845V.
Identifiers: ClinVar variation 5008736 (VCV005008736.1).
Genomic context (GRCh38, chr12:80,506,646, plus strand): 5'-CAATATATCATTGAGGTGTCTGCTAGTACACTCAAAGGTGAAGGAGTTCGGAGTGCTCCC[A>G]TAAGTATACTGACGGAGGAAGATGGTAAATATAATAGTGGATATTGATATACTTTGATTC-3'
Protein context (NP_001138498.1, residues 835-855): LKGEGVRSAP[Ile845Val]SILTEEDAPD